The following is an entry in ClinVar:

NM_005687.5(FARSB):c.1701C>T (p.Asp567=)

Gene: FARSB (phenylalanyl-tRNA synthetase subunit beta; minus strand). Cytogenetic location: 2q36.1.
Variant type: single nucleotide variant.
Coding change: c.1701C>T on transcript NM_005687.5 (MANE Select); coding-DNA position 1701, C replaced by T.
Protein change: p.Asp567=; no amino-acid change (aspartic acid 567 retained).
Molecular consequence: synonymous variant. On other transcripts: non-coding transcript variant (1).
Genome position (GRCh38, 1-based): chr2:222,571,940, G>A on the plus strand (C>T on the coding strand, the complement: FARSB is on the minus strand). VCF-style: chr2-222571940-G-A. GRCh37 (hg19) VCF-style: chr2-223436659-G-A.
Other names: c.1701C>T (NM_005687.4).
Identifiers: ClinVar variation 1581206 (VCV001581206.10), dbSNP rs141929079, ClinGen allele CA2136275.

ClinVar aggregate classification (germline): Likely benign. Review status: criteria provided, single submitter (1 of 4 stars). 2 submissions from 2 submitters: Likely benign (1). 1 of the submissions does not count toward it. Last evaluated 2026-01-12.

Conditions:
FARSB-related disorder. Also called: FARSB-related condition.

Allele frequency attached by ClinVar (database versions not stated): ExAC 0.00006; gnomAD exomes 0.00008; gnomAD 0.00009 and 0.00010; ESP Exome Variant Server 0.00015; TOPMed 0.00016.
gnomAD v4.1: 234 of 1,613,606 alleles (0.015%); highest among the groups gnomAD compares: Non-Finnish European, 0.019%; no homozygotes.

Submissions (2):

Labcorp Genetics (formerly Invitae), Labcorp
Classification: Likely benign. Last evaluated: 2026-01-12. Review status: criteria provided, single submitter. Criteria: Invitae Variant Classification Sherloc (09022015). Collection method: clinical testing. Allele origin: germline.

PreventionGenetics, part of Exact Sciences
Classification: Likely benign for FARSB-related condition. Last evaluated: 2019-04-09. Review status: no assertion criteria provided. Collection method: clinical testing. Allele origin: germline. Not counted in ClinVar's aggregate classification.
Comment: This variant is classified as likely benign based on ACMG/AMP sequence variant interpretation guidelines (Richards et al. 2015 PMID: 25741868, with internal and published modifications).